The following is an entry in ClinVar:

ClinVar aggregate classification (germline): Uncertain significance (1 of 4 stars; one submission).

Allele frequency attached by ClinVar (database versions not stated): gnomAD exomes below 0.00001; ExAC 0.00001; gnomAD 0.00001; ESP Exome Variant Server 0.00008.

Submission:

Labcorp Genetics (formerly Invitae), Labcorp
Classification: Uncertain significance. Last evaluated: 2022-06-13. Review status: criteria provided, single submitter. Criteria: Invitae Variant Classification Sherloc (09022015). Collection method: clinical testing. Allele origin: germline.
Comment: This sequence change replaces valine, which is neutral and non-polar, with methionine, which is neutral and non-polar, at codon 9 of the IL6ST protein (p.Val9Met). In summary, the available evidence is currently insufficient to determine the role of this variant in disease. Therefore, it has been classified as a Variant of Uncertain Significance. Algorithms developed to predict the effect of missense changes on protein structure and function (SIFT, PolyPhen-2, Align-GVGD) all suggest that this variant is likely to be tolerated. This variant has not been reported in the literature in individuals affected with IL6ST-related conditions. The frequency data for this variant in the population databases is considered unreliable, as metrics indicate poor data quality at this position in the gnomAD database.

NM_002184.4(IL6ST):c.25G>A (p.Val9Met)

Gene: IL6ST (interleukin 6 cytokine family signal transducer; minus strand). Cytogenetic location: 5q11.2.
Variant type: single nucleotide variant.
Coding change: c.25G>A on transcript NM_002184.4 (MANE Select); coding-DNA position 25, G replaced by A.
Protein change: p.Val9Met; replaces valine 9 with methionine.
Molecular consequence: missense variant. On other transcripts: 5 prime UTR variant (3), non-coding transcript variant (2).
Genome position (GRCh38, 1-based): chr5:55,976,254, C>T on the plus strand (G>A on the coding strand, the complement: IL6ST is on the minus strand). VCF-style: chr5-55976254-C-T. GRCh37 (hg19) VCF-style: chr5-55272082-C-T.
Other names: c.25G>A, p.Val9Met (NM_001190981.2, NM_001364275.2, NM_001364276.2 and 1 more transcripts); c.-768G>A (NM_001364277.2, NM_001364279.2); c.-758G>A (NM_001364278.2); short protein forms V9M.
Identifiers: ClinVar variation 1512269 (VCV001512269.8), dbSNP rs372602249, ClinGen allele CA3271789.